The following is an entry in ClinVar:

ClinVar aggregate classification (germline): Conflicting classifications of pathogenicity. Review status: criteria provided, conflicting classifications (1 of 4 stars). 2 submissions from 2 submitters: Uncertain significance (1); Likely benign (1). Last evaluated 2024-07-11.

Conditions:
Gorlin syndrome. Also called: Basal cell nevus syndrome; Nevoid Basal Cell Carcinoma Syndrome. Identifiers: Orphanet 377, MedGen C0004779, MONDO:0007187.
Hereditary cancer-predisposing syndrome. Also called: Neoplastic Syndromes, Hereditary; Tumor predisposition; Hereditary neoplastic syndrome; Hereditary Cancer Syndrome. Identifiers: Orphanet 140162, MedGen C0027672, MeSH D009386, MONDO:0015356.

Submissions (2):

Labcorp Genetics (formerly Invitae), Labcorp
Classification: Uncertain significance for Gorlin syndrome. Last evaluated: 2024-07-11. Review status: criteria provided, single submitter. Criteria: Invitae Variant Classification Sherloc (09022015). Collection method: clinical testing. Allele origin: germline.
Comment: This sequence change replaces serine, which is neutral and polar, with asparagine, which is neutral and polar, at codon 999 of the PTCH1 protein (p.Ser999Asn). This variant is not present in population databases (gnomAD no frequency). This variant has not been reported in the literature in individuals affected with PTCH1-related conditions. ClinVar contains an entry for this variant (Variation ID: 1798576). Advanced modeling of protein sequence and biophysical properties (such as structural, functional, and spatial information, amino acid conservation, physicochemical variation, residue mobility, and thermodynamic stability) performed at Invitae indicates that this missense variant is not expected to disrupt PTCH1 protein function with a negative predictive value of 95%. In summary, the available evidence is currently insufficient to determine the role of this variant in disease. Therefore, it has been classified as a Variant of Uncertain Significance.

Ambry Genetics
Classification: Likely benign for Hereditary cancer-predisposing syndrome. Last evaluated: 2020-12-21. Review status: criteria provided, single submitter. Criteria: Ambry Variant Classification Scheme 2023. Collection method: clinical testing. Allele origin: germline.

NM_000264.5(PTCH1):c.2996G>A (p.Ser999Asn)

Gene: PTCH1 (patched 1; minus strand). Cytogenetic location: 9q22.32.
Variant type: single nucleotide variant.
Coding change: c.2996G>A on transcript NM_000264.5 (MANE Select); coding-DNA position 2996, G replaced by A.
Protein change: p.Ser999Asn; replaces serine 999 with asparagine.
Molecular consequence: missense variant. On other transcripts: non-coding transcript variant (1).
Genome position (GRCh38, 1-based): chr9:95,458,185, C>T on the plus strand (G>A on the coding strand, the complement: PTCH1 is on the minus strand). VCF-style: chr9-95458185-C-T. GRCh37 (hg19) VCF-style: chr9-98220467-C-T.
Other names: c.2798G>A, p.Ser933Asn (NM_001083602.3); c.2993G>A, p.Ser998Asn (NM_001083603.3); c.2543G>A, p.Ser848Asn (NM_001083604.3, NM_001083605.3, NM_001083606.3 and 1 more transcripts); c.2840G>A, p.Ser947Asn (NM_001354918.2); short protein forms S933N, S947N, S998N, S999N, S848N.
Identifiers: ClinVar variation 1798576 (VCV001798576.7), dbSNP rs2136661686, ClinGen allele CA374112614.